The following is an entry in ClinVar:

NM_018972.4(GDAP1):c.637G>C (p.Glu213Gln)

Gene: GDAP1 (ganglioside induced differentiation associated protein 1; plus strand). Cytogenetic location: 8q21.11.
Variant type: single nucleotide variant.
Coding change: c.637G>C on transcript NM_018972.4 (MANE Select); coding-DNA position 637, G replaced by C.
Protein change: p.Glu213Gln; replaces glutamic acid 213 with glutamine.
Molecular consequence: missense variant.
Genome position (GRCh38, 1-based): chr8:74,362,996, G>C. VCF-style: chr8-74362996-G-C. GRCh37 (hg19) VCF-style: chr8-75275231-G-C.
Other names: c.433G>C, p.Glu145Gln (NM_001040875.4); c.310G>C, p.Glu104Gln (NM_001362929.2, NM_001362932.2); c.463G>C, p.Glu155Gln (NM_001362930.2); c.637G>C, p.Glu213Gln (NM_001362931.2); short protein forms E104Q, E145Q, E155Q, E213Q.
Identifiers: ClinVar variation 1753169 (VCV001753169.2), dbSNP rs769102513, ClinGen allele CA371549578.

ClinVar aggregate classification (germline): Uncertain significance (1 of 4 stars; one submission).

Conditions:
Inborn genetic diseases. Identifiers: MedGen C0950123, MeSH D030342.

Submission:

Ambry Genetics
Classification: Uncertain significance for Inborn genetic diseases. Last evaluated: 2022-02-09. Review status: criteria provided, single submitter. Criteria: Ambry Variant Classification Scheme 2023. Collection method: clinical testing. Allele origin: germline.
Comment: The p.E213Q variant (also known as c.637G>C), located in coding exon 5 of the GDAP1 gene, results from a G to C substitution at nucleotide position 637. The glutamic acid at codon 213 is replaced by glutamine, an amino acid with highly similar properties. This amino acid position is conserved. In addition, the in silico prediction for this alteration is inconclusive. Since supporting evidence is limited at this time, the clinical significance of this alteration remains unclear.